The following is an entry in ClinVar:

NM_000404.4(GLB1):c.483G>T (p.Trp161Cys)

Gene: GLB1 (galactosidase beta 1; minus strand). Cytogenetic location: 3p22.3.
Variant type: single nucleotide variant.
Coding change: c.483G>T on transcript NM_000404.4 (MANE Select); coding-DNA position 483, G replaced by T.
Protein change: p.Trp161Cys; replaces tryptophan 161 with cysteine.
Molecular consequence: missense variant.
Genome position (GRCh38, 1-based): chr3:33,065,532, C>A on the plus strand (G>T on the coding strand, the complement: GLB1 is on the minus strand). VCF-style: chr3-33065532-C-A. GRCh37 (hg19) VCF-style: chr3-33107024-C-A.
Other names: c.393G>T, p.Trp131Cys (NM_001079811.3); c.271G>T, p.Val91Phe (NM_001135602.3); c.627G>T, p.Trp209Cys (NM_001317040.2); c.483G>T, p.Trp161Cys (NM_001393580.1); short protein forms V91F, W131C, W161C, W209C.
Identifiers: ClinVar variation 4855362 (VCV004855362.1).
Genomic context (GRCh38, chr3:33,065,532, plus strand): 5'-TATAACTGGCCCTCCATTCTGATAGAGGAGAGGCTTCATCTTGGGCAGAAGGACTCCCAA[C>A]CACTTGTCCACAGCTGCCAGGTAATCTGGAAAACAAGAAAAGTTTAACACAAGCTTGTCC-3'
Protein context (NP_000395.3, residues 151-171): DPDYLAAVDK[Trp161Cys]LGVLLPKMKP

ClinVar aggregate classification (germline): Uncertain significance (1 of 4 stars; one submission).

Conditions:
GLB1-related disorder. Also called: GLB1-related disorders. Identifiers: MedGen CN377807.

gnomAD v4.1: 1 of 1,582,012 alleles (0.000063%); highest among the groups gnomAD compares: South Asian, 0.0011%; no homozygotes.

Submission:

3billion
Classification: Uncertain significance for GLB1-related disorder. Last evaluated: 2026-01-23. Review status: criteria provided, single submitter. Criteria: ACMG Guidelines, 2015. Collection method: clinical testing. Allele origin: germline. Affected: yes.
Comment: The variant is observed at an extremely low frequency in the gnomAD v4.1.0 dataset (total allele frequency: <0.001%). Predicted Consequence/Location: Missense variant In silico tool predictions suggest damaging effect of the variant on gene or gene product [REVEL: 0.94 (>=0.6, sensitivity 0.68 and specificity 0.92); 3Cnet: 0.99 (> 0.75, sensitivity 0.96 and precision 0.92)]. Different missense changes at the same codon (p.Trp161Gly, p.Trp161Leu) have been reported to be associated with GLB1-related disorder (ClinVar ID: VCV000092910 /PMID: 21497194, 39411402). However the evidence of pathogenicity is insufficient at this time. Therefore, this variant is classified as VUS according to the recommendation of ACMG/AMP guideline.

Literature cited by the submitters: PubMed 21497194.